The following is an entry in ClinVar:

ClinVar aggregate classification (germline): Benign. Review status: criteria provided, multiple submitters, no conflicts (2 of 4 stars). 8 submissions from 8 submitters: Benign (5). 3 of the submissions do not count toward it. Last evaluated 2026-02-03.

Conditions:
Occipital pachygyria and polymicrogyria. Identifiers: Orphanet 280640, MedGen C3279875, MONDO:0013583, OMIM 614115.

Allele frequency attached by ClinVar (database versions not stated): 1000 Genomes Project 0.15495; 1000 Genomes Project 30x 0.15646; TOPMed 0.20077; gnomAD 0.20309 and 0.20549; ESP Exome Variant Server 0.20652; ExAC 0.21179; gnomAD exomes 0.21302 and 0.23708.
gnomAD v4.1: 375,951 of 1,609,950 alleles (23%); highest among the groups gnomAD compares: Non-Finnish European, 25%; 45,663 homozygotes.

Submissions (8):

Labcorp Genetics (formerly Invitae), Labcorp
Classification: Benign. Last evaluated: 2026-02-03. Review status: criteria provided, single submitter. Criteria: Invitae Variant Classification Sherloc (09022015). Collection method: clinical testing. Allele origin: germline.

Blueprint Genetics
Classification: Benign. Last evaluated: 2024-11-27. Review status: criteria provided, single submitter. Criteria: ACMG Guidelines, 2015. Collection method: clinical testing. Allele origin: germline.

Genome-Nilou Lab
Classification: Benign for Occipital pachygyria and polymicrogyria. Last evaluated: 2021-08-19. Review status: criteria provided, single submitter. Criteria: ACMG Guidelines, 2015. Collection method: clinical testing. Allele origin: germline. Affected: no.

GeneDx
Classification: Benign. Last evaluated: 2015-03-03. Review status: criteria provided, single submitter. Criteria: GeneDx Variant Classification Process June 2021. Collection method: clinical testing. Allele origin: germline. Affected: yes.

Breakthrough Genomics
Classification: Benign. Review status: criteria provided, single submitter. Criteria: ACMG Guidelines, 2015. Collection method: not provided. Allele origin: germline. Inheritance: Autosomal recessive inheritance. Affected: yes.

Clinical Genetics DNA and cytogenetics Diagnostics Lab, Erasmus MC, Erasmus Medical Center
Classification: Benign. Review status: no assertion criteria provided. Collection method: clinical testing. Allele origin: germline. Affected: yes. Study: VKGL Data-share Consensus. Not counted in ClinVar's aggregate classification.

Diagnostic Laboratory, Department of Genetics, University Medical Center Groningen
Classification: Benign for Occipital pachygyria and polymicrogyria. Review status: no assertion criteria provided. Collection method: clinical testing. Allele origin: germline. Affected: yes. Study: VKGL Data-share Consensus. Not counted in ClinVar's aggregate classification.

Genetic Services Laboratory, University of Chicago
Classification: Likely benign for AllHighlyPenetrant. Review status: no assertion criteria provided. Collection method: clinical testing. Allele origin: germline. Inheritance: X-linked inheritance. Not counted in ClinVar's aggregate classification.
Comment: Likely benign based on allele frequency in 1000 Genomes Project or ESP global frequency and its presence in a patient with a rare or unrelated disease phenotype. NOT Sanger confirmed.

NM_006059.4(LAMC3):c.1218G>A (p.Thr406=)

Gene: LAMC3 (laminin subunit gamma 3; plus strand). Cytogenetic location: 9q34.12.
Variant type: single nucleotide variant.
Coding change: c.1218G>A on transcript NM_006059.4 (MANE Select); coding-DNA position 1218, G replaced by A.
Protein change: p.Thr406=; no amino-acid change (threonine 406 retained).
Molecular consequence: synonymous variant.
Genome position (GRCh38, 1-based): chr9:131,039,183, G>A. VCF-style: chr9-131039183-G-A. GRCh37 (hg19) VCF-style: chr9-133914570-G-A.
Identifiers: ClinVar variation 129449 (VCV000129449.21), dbSNP rs2293518, ClinGen allele CA153468.